The following is an entry in ClinVar:

NM_022455.5(NSD1):c.760C>T (p.Leu254Phe)

Gene: NSD1 (nuclear receptor binding SET domain protein 1; plus strand). Cytogenetic location: 5q35.3.
Variant type: single nucleotide variant.
Coding change: c.760C>T on transcript NM_022455.5 (MANE Select); coding-DNA position 760, C replaced by T.
Protein change: p.Leu254Phe; replaces leucine 254 with phenylalanine.
Molecular consequence: missense variant. On other transcripts: intron variant (8).
Genome position (GRCh38, 1-based): chr5:177,135,863, C>T. VCF-style: chr5-177135863-C-T. GRCh37 (hg19) VCF-style: chr5-176562864-C-T.
Other names: c.760C>T, p.Leu254Phe (NM_001409301.1, NM_001409302.1, NM_001409303.1); c.418-78C>T (NM_001409304.1); c.-36-78C>T (NM_001409305.1, NM_001409306.1, NM_001409308.1 and 4 more transcripts).
Identifiers: ClinVar variation 159441 (VCV000159441.29), dbSNP rs149334244, ClinGen allele CA172864.

ClinVar aggregate classification (germline): Benign/Likely benign. Review status: criteria provided, multiple submitters, no conflicts (2 of 4 stars). 8 submissions from 8 submitters: Benign (4); Likely benign (3). 1 of the submissions does not count toward it. Last evaluated 2026-02-01.

Conditions:
Sotos syndrome (SOTOS). Also called: SOTOS SYNDROME 1; CHROMOSOME 5q35 DELETION SYNDROME; CEREBRAL GIGANTISM; Sotos' syndrome; Distinctive facial appearance, overgrowth in childhood, and learning disabilities or delayed development. Identifiers: Orphanet 821, MedGen C0175695, MONDO:0019349, OMIM 117550.
NSD1-related disorder. Also called: NSD1-related condition.
Inborn genetic diseases. Identifiers: MedGen C0950123, MeSH D030342.

Allele frequency attached by ClinVar (database versions not stated): gnomAD 0.00143 and 0.00145; ESP Exome Variant Server 0.00177; 1000 Genomes Project 0.00220; 1000 Genomes Project 30x 0.00281; ExAC 0.00045; TOPMed 0.00148.
gnomAD v4.1: 392 of 1,606,222 alleles (0.024%); highest among the groups gnomAD compares: African/African-American, 0.46%; 1 homozygote.

Submissions (8):

Labcorp Genetics (formerly Invitae), Labcorp
Classification: Benign. Last evaluated: 2026-02-01. Review status: criteria provided, single submitter. Criteria: Invitae Variant Classification Sherloc (09022015). Collection method: clinical testing. Allele origin: germline.

Blueprint Genetics
Classification: Likely benign. Last evaluated: 2024-11-26. Review status: criteria provided, single submitter. Criteria: ACMG Guidelines, 2015. Collection method: clinical testing. Allele origin: germline.

Genome-Nilou Lab
Classification: Benign for Sotos syndrome. Last evaluated: 2021-07-15. Review status: criteria provided, single submitter. Criteria: ACMG Guidelines, 2015. Collection method: clinical testing. Allele origin: germline. Affected: no.

GeneDx
Classification: Benign. Last evaluated: 2021-06-25. Review status: criteria provided, single submitter. Criteria: GeneDx Variant Classification Process June 2021. Collection method: clinical testing. Allele origin: germline. Affected: yes.

Ambry Genetics
Classification: Likely benign for Inborn genetic diseases. Last evaluated: 2018-05-15. Review status: criteria provided, single submitter. Criteria: Ambry Variant Classification Scheme 2023. Collection method: clinical testing. Allele origin: germline.

Eurofins Ntd Llc (ga)
Classification: Benign. Last evaluated: 2014-04-07. Review status: criteria provided, single submitter. Criteria: EGL Classification Definitions 2015. Collection method: clinical testing. Allele origin: germline. Observed: 1 variant allele, 1 heterozygote.

Genetic Services Laboratory, University of Chicago
Classification: Likely benign. Last evaluated: 2013-02-08. Review status: criteria provided, single submitter. Criteria: ACMG Guidelines, 2007. Collection method: clinical testing. Allele origin: germline. Inheritance: Autosomal dominant inheritance.

PreventionGenetics, part of Exact Sciences
Classification: Benign for NSD1-related condition. Last evaluated: 2019-07-16. Review status: no assertion criteria provided. Collection method: clinical testing. Allele origin: germline. Not counted in ClinVar's aggregate classification.
Comment: This variant is classified as benign based on ACMG/AMP sequence variant interpretation guidelines (Richards et al. 2015 PMID: 25741868, with internal and published modifications).